The following is an entry in ClinVar:

ClinVar aggregate classification (germline): Uncertain significance (1 of 4 stars; one submission).

Allele frequency attached by ClinVar (database versions not stated): TOPMed 0.00004; ExAC 0.00017.
gnomAD v4.1: 118 of 1,613,772 alleles (0.0073%); highest among the groups gnomAD compares: Non-Finnish European, 0.0086%; no homozygotes.

Submission:

Labcorp Genetics (formerly Invitae), Labcorp
Classification: Uncertain significance. Last evaluated: 2024-06-02. Review status: criteria provided, single submitter. Criteria: Invitae Variant Classification Sherloc (09022015). Collection method: clinical testing. Allele origin: germline.
Comment: This sequence change replaces leucine, which is neutral and non-polar, with methionine, which is neutral and non-polar, at codon 471 of the ANGPT1 protein (p.Leu471Met). This variant is present in population databases (rs199579578, gnomAD 0.02%). This variant has not been reported in the literature in individuals affected with ANGPT1-related conditions. ClinVar contains an entry for this variant (Variation ID: 1408805). An algorithm developed to predict the effect of missense changes on protein structure and function (PolyPhen-2) suggests that this variant is likely to be disruptive. In summary, the available evidence is currently insufficient to determine the role of this variant in disease. Therefore, it has been classified as a Variant of Uncertain Significance.

NM_001146.5(ANGPT1):c.1411C>A (p.Leu471Met)

Gene: ANGPT1 (angiopoietin 1; minus strand). Cytogenetic location: 8q23.1.
Variant type: single nucleotide variant.
Coding change: c.1411C>A on transcript NM_001146.5 (MANE Select); coding-DNA position 1411, C replaced by A.
Protein change: p.Leu471Met; replaces leucine 471 with methionine.
Molecular consequence: missense variant.
Genome position (GRCh38, 1-based): chr8:107,251,941, G>T on the plus strand (C>A on the coding strand, the complement: ANGPT1 is on the minus strand). VCF-style: chr8-107251941-G-T. GRCh37 (hg19) VCF-style: chr8-108264169-G-T.
Other names: c.1408C>A, p.Leu470Met (NM_001199859.3); c.811C>A, p.Leu271Met (NM_001314051.2); short protein forms L470M, L471M, L271M.
Identifiers: ClinVar variation 1408805 (VCV001408805.8), dbSNP rs199579578, ClinGen allele CA4841123.
Genomic context (GRCh38, chr8:107,251,941, plus strand): 5'-TAGTTGTGGAACGTAAGGAGTAACTGGGCCCTTTGAAGTAGTGCCACTTTATCCCATTCA[G>T]TTTTCCATGGTTTTGTCCCGCAGTATAGAACATTCCATTTAGATTGGAGGGGCCACAAGC-3'
Protein context (NP_001137.2, residues 461-481): FYTAGQNHGK[Leu471Met]NGIKWHYFKG